The following is an entry in ClinVar:

NM_005868.6(BET1):c.202G>C (p.Asp68His)

Gene: BET1 (Bet1 golgi vesicular membrane trafficking protein; minus strand). Cytogenetic location: 7q21.3.
Variant type: single nucleotide variant.
Coding change: c.202G>C on transcript NM_005868.6 (MANE Select); coding-DNA position 202, G replaced by C.
Protein change: p.Asp68His; replaces aspartic acid 68 with histidine.
Molecular consequence: missense variant. On other transcripts: non-coding transcript variant (1).
Genome position (GRCh38, 1-based): chr7:93,994,385, C>G on the plus strand (G>C on the coding strand, the complement: BET1 is on the minus strand). VCF-style: chr7-93994385-C-G. GRCh37 (hg19) VCF-style: chr7-93623697-C-G.
Other names: c.202G>C, p.Asp68His (NM_001317739.2); short protein forms D68H.
Identifiers: ClinVar variation 619194 (VCV000619194.3), dbSNP rs1562806584, ClinGen allele CA368392541.
Genomic context (GRCh38, chr7:93,994,385, plus strand): 5'-AAATCTTCAGTTTGCCCATAGTTTTACCTAGAAATCCAGTTGTGGAATCAAATTGTGAAT[C>G]CTATCAGAGATAAAGGCAAATAAAATATCACAGTTAGATTCTAAGAGTCTACATATGCAT-3'
Protein context (NP_005859.1, residues 58-78): KTQNKLLAEM[Asp68His]SQFDSTTGFL

ClinVar aggregate classification (germline): Uncertain significance. Review status: criteria provided, single submitter (1 of 4 stars). 2 submissions from 2 submitters: Uncertain significance (1). 1 of the submissions does not count toward it. Last evaluated 2019-02-25.

Conditions:
Muscular dystrophy, congenital, with rapid progression (MDRP). Identifiers: MedGen C1850840, MONDO:0009682, OMIM 254100.
Progressive muscle weakness. Identifiers: MedGen C0240421, HP:0003323.
Seizure. Also called: Seizures. Identifiers: MedGen C0036572, HP:0001250.

Submissions (2):

Broad Center for Mendelian Genomics, Broad Institute of MIT and Harvard
Classification: Uncertain significance for Progressive muscle weakness; Seizure. Last evaluated: 2019-02-25. Review status: criteria provided, single submitter. Criteria: ACMG Guidelines, 2015. Collection method: research. Allele origin: germline. Inheritance: Autosomal recessive inheritance. Affected: yes.
Comment: This variant was absent from large population studies. Transcriptome analysis revealed that this variant was present in the WES & WGS data but not detectable in the patient's muscle RNA sequencing, indicating that there may be allele specific expression of this variant. This variant is located in the first base of the exon 4 (out of 4 exons), which is part of the 3'/5' splice region. While this variant is located in the last exon of the gene, exon 4 encompasses >40% of the coding region of BET1. Additional analysis of the RNA data from this patient also suggested allele imbalance. Instead of matching the expected 50/50 ratio, the allele balance for the compound heterozygous frameshift variant was skewed towards the frameshift by approximately 65%. This suggests that the missense variant may interfere with normal splicing. However, this information is not predictive enough to determine pathogenicity. Of note, loss of function of the BET1 gene in autosomal dominant disease has not yet been established based on the criteria laid out in Tayoun, 2018 (PMID: 30192042). In summary, while there is some suspicion for a pathogenic role, the clinical significance of this variant is uncertain.

OMIM
Classification: Pathogenic for MUSCULAR DYSTROPHY, CONGENITAL, WITH RAPID PROGRESSION. Last evaluated: 2024-02-06. Review status: no assertion criteria provided. Collection method: literature only. Allele origin: germline. Not counted in ClinVar's aggregate classification.

Literature cited by the submitters: PubMed 34779586 (cited by OMIM).